The following is an entry in ClinVar:

NM_020708.5(SLC12A5):c.575G>C (p.Gly192Ala)

Gene: SLC12A5 (solute carrier family 12 member 5; plus strand). Cytogenetic location: 20q13.12.
Variant type: single nucleotide variant.
Coding change: c.575G>C on transcript NM_020708.5 (MANE Select); coding-DNA position 575, G replaced by C.
Protein change: p.Gly192Ala; replaces glycine 192 with alanine.
Molecular consequence: missense variant.
Genome position (GRCh38, 1-based): chr20:46,037,348, G>C. VCF-style: chr20-46037348-G-C. GRCh37 (hg19) VCF-style: chr20-44665987-G-C.
Other names: c.644G>C, p.Gly215Ala (NM_001134771.2); short protein forms G192A, G215A.
Identifiers: ClinVar variation 2062384 (VCV002062384.4), dbSNP rs2515634881, ClinGen allele CA409188796.
Genomic context (GRCh38, chr20:46,037,348, plus strand): 5'-TGGGCCCAGAGTTTGGGGGTGCCGTGGGCCTCTGCTTCTACCTGGGCACTACCTTTGCAG[G>C]AGCCATGTACATCCTGGGCACCATCGAAATCCTGCTGGTAAGAGAGGCTGAGGAGGAGGT-3'
Protein context (NP_065759.1, residues 182-202): LCFYLGTTFA[Gly192Ala]AMYILGTIEI

ClinVar aggregate classification (germline): Uncertain significance (1 of 4 stars; one submission).

Conditions:
Developmental and epileptic encephalopathy, 34 (DEE34). Also called: SLC12A5-Related Epilepsy of Infancy with Migrating Focal Seizures; Early infantile epileptic encephalopathy 34. Identifiers: Orphanet 293181, MedGen C4225257, MONDO:0014718, OMIM 616645.

Submission:

Labcorp Genetics (formerly Invitae), Labcorp
Classification: Uncertain significance for Developmental and epileptic encephalopathy, 34. Last evaluated: 2022-08-09. Review status: criteria provided, single submitter. Criteria: Invitae Variant Classification Sherloc (09022015). Collection method: clinical testing. Allele origin: germline.
Comment: In summary, the available evidence is currently insufficient to determine the role of this variant in disease. Therefore, it has been classified as a Variant of Uncertain Significance. Advanced modeling of protein sequence and biophysical properties (such as structural, functional, and spatial information, amino acid conservation, physicochemical variation, residue mobility, and thermodynamic stability) performed at Invitae indicates that this missense variant is not expected to disrupt SLC12A5 protein function. This variant has not been reported in the literature in individuals affected with SLC12A5-related conditions. This variant is not present in population databases (gnomAD no frequency). This sequence change replaces glycine, which is neutral and non-polar, with alanine, which is neutral and non-polar, at codon 192 of the SLC12A5 protein (p.Gly192Ala).